The following is an entry in ClinVar:

NM_000051.4(ATM):c.8159A>G (p.Asp2720Gly)

Genes: ATM (ATM serine/threonine kinase; plus strand), C11orf65 (chromosome 11 open reading frame 65; minus strand). Cytogenetic location: 11q22.3.
Variant type: single nucleotide variant.
Coding change: c.8159A>G on transcript NM_000051.4 (MANE Select); coding-DNA position 8159, A replaced by G.
Protein change: p.Asp2720Gly; replaces aspartic acid 2720 with glycine.
Molecular consequence: missense variant. On other transcripts: intron variant (2).
Genome position (GRCh38, 1-based): chr11:108,335,852, A>G. VCF-style: chr11-108335852-A-G. GRCh37 (hg19) VCF-style: chr11-108206579-A-G.
Other names: c.8159A>G, p.Asp2720Gly (NM_001351834.2); c.641-26781T>C (NM_001330368.2); c.695-560T>C (NM_001351110.2); short protein forms D2720G.
Identifiers: ClinVar variation 1022458 (VCV001022458.12), dbSNP rs745901025, ClinGen allele CA6266313.

ClinVar aggregate classification (germline): Uncertain significance. Review status: criteria provided, multiple submitters, no conflicts (2 of 4 stars). 2 submissions from 2 submitters: Uncertain significance (2). Last evaluated 2024-10-07.

Conditions:
Hereditary cancer-predisposing syndrome. Also called: Neoplastic Syndromes, Hereditary; Tumor predisposition; Hereditary Cancer Syndrome; Hereditary neoplastic syndrome. Identifiers: Orphanet 140162, MedGen C0027672, MeSH D009386, MONDO:0015356.
Ataxia-telangiectasia syndrome (AT). Also called: Ataxia telangiectasia (A-T); ATAXIA-TELANGIECTASIA, COMPLEMENTATION GROUP A; ATAXIA-TELANGIECTASIA, FRESNO VARIANT; Ataxia-telangiectasia; Ataxia-telangiectasia, complementation group E; LOUIS-BAR SYNDROME. Identifiers: Orphanet 100, MedGen C0004135, MONDO:0008840, OMIM 208900.

Allele frequency attached by ClinVar (database versions not stated): ExAC 0.00001.

Submissions (2):

Ambry Genetics
Classification: Uncertain significance for Hereditary cancer-predisposing syndrome. Last evaluated: 2024-10-07. Review status: criteria provided, single submitter. Criteria: Ambry Variant Classification Scheme 2023. Collection method: clinical testing. Allele origin: germline.
Comment: The p.D2720G variant (also known as c.8159A>G), located in coding exon 55 of the ATM gene, results from an A to G substitution at nucleotide position 8159. The aspartic acid at codon 2720 is replaced by glycine, an amino acid with similar properties. This amino acid position is highly conserved in available vertebrate species. In addition, this alteration is predicted to be deleterious by in silico analysis. Based on the available evidence, the clinical significance of this variant remains unclear.

Labcorp Genetics (formerly Invitae), Labcorp
Classification: Uncertain significance for Ataxia-telangiectasia syndrome. Last evaluated: 2024-03-11. Review status: criteria provided, single submitter. Criteria: Invitae Variant Classification Sherloc (09022015). Collection method: clinical testing. Allele origin: germline.
Comment: This sequence change replaces aspartic acid, which is acidic and polar, with glycine, which is neutral and non-polar, at codon 2720 of the ATM protein (p.Asp2720Gly). This variant is not present in population databases (gnomAD no frequency). This variant has not been reported in the literature in individuals affected with ATM-related conditions. ClinVar contains an entry for this variant (Variation ID: 1022458). An algorithm developed to predict the effect of missense changes on protein structure and function (PolyPhen-2) suggests that this variant is likely to be disruptive. In summary, the available evidence is currently insufficient to determine the role of this variant in disease. Therefore, it has been classified as a Variant of Uncertain Significance.